The following is an entry in ClinVar:

ClinVar aggregate classification (germline): Uncertain significance (1 of 4 stars; one submission).

Conditions:
Early-infantile DEE. Also called: Early infantile epileptic encephalopathy; Ohtahara syndrome; Early infantile epileptic encephalopathy with suppression bursts. Identifiers: Orphanet 1934, MedGen C0393706, MONDO:0800491.

Allele frequency attached by ClinVar (database versions not stated): gnomAD exomes below 0.00001.
gnomAD v4.1: 2 of 1,613,830 alleles (0.00012%); highest among the groups gnomAD compares: East Asian, 0.0022%; no homozygotes.

Submission:

Labcorp Genetics (formerly Invitae), Labcorp
Classification: Uncertain significance for Early-infantile DEE. Last evaluated: 2023-03-30. Review status: criteria provided, single submitter. Criteria: Invitae Variant Classification Sherloc (09022015). Collection method: clinical testing. Allele origin: germline.
Comment: In summary, the available evidence is currently insufficient to determine the role of this variant in disease. Therefore, it has been classified as a Variant of Uncertain Significance. Advanced modeling of protein sequence and biophysical properties (such as structural, functional, and spatial information, amino acid conservation, physicochemical variation, residue mobility, and thermodynamic stability) performed at Invitae indicates that this missense variant is not expected to disrupt SCN8A protein function. ClinVar contains an entry for this variant (Variation ID: 1436618). This variant has not been reported in the literature in individuals affected with SCN8A-related conditions. This variant is not present in population databases (gnomAD no frequency). This sequence change replaces asparagine, which is neutral and polar, with serine, which is neutral and polar, at codon 1043 of the SCN8A protein (p.Asn1043Ser).

NM_001330260.2(SCN8A):c.3128A>G (p.Asn1043Ser)

Gene: SCN8A (sodium voltage-gated channel alpha subunit 8; plus strand). Cytogenetic location: 12q13.13.
Variant type: single nucleotide variant.
Coding change: c.3128A>G on transcript NM_001330260.2 (MANE Select); coding-DNA position 3128, A replaced by G.
Protein change: p.Asn1043Ser; replaces asparagine 1043 with serine.
Molecular consequence: missense variant.
Genome position (GRCh38, 1-based): chr12:51,769,091, A>G. VCF-style: chr12-51769091-A-G. GRCh37 (hg19) VCF-style: chr12-52162875-A-G.
Other names: c.3128A>G, p.Asn1043Ser (NM_001177984.3, NM_001369788.1, NM_014191.4); short protein forms N1043S.
Identifiers: ClinVar variation 1436618 (VCV001436618.7), dbSNP rs2138868545, ClinGen allele CA384892583.